The following is an entry in ClinVar:

ClinVar aggregate classification (germline): Uncertain significance (1 of 4 stars; one submission).

Conditions:
Muscular dystrophy-dystroglycanopathy (congenital with brain and eye anomalies), type a, 12 (MDDGA12). Also called: WALKER-WARBURG SYNDROME OR MUSCLE-EYE-BRAIN DISEASE, POMK-RELATED. Identifiers: Orphanet 899, MedGen C3808964, MONDO:0014101, OMIM 615249.
Limb-girdle muscular dystrophy due to POMK deficiency. Also called: MUSCULAR DYSTROPHY-DYSTROGLYCANOPATHY, LIMB-GIRDLE, POMK-RELATED; Muscular dystrophy-dystroglycanopathy (limb-girdle), type c, 12. Identifiers: Orphanet 445110, MedGen C4015184, MONDO:0014489, OMIM 616094.

Submission:

Labcorp Genetics (formerly Invitae), Labcorp
Classification: Uncertain significance for Muscular dystrophy-dystroglycanopathy (congenital with brain and eye anomalies), type a, 12; Limb-girdle muscular dystrophy due to POMK deficiency. Last evaluated: 2022-08-15. Review status: criteria provided, single submitter. Criteria: Invitae Variant Classification Sherloc (09022015). Collection method: clinical testing. Allele origin: germline.
Comment: This sequence change replaces aspartic acid, which is acidic and polar, with glycine, which is neutral and non-polar, at codon 184 of the POMK protein (p.Asp184Gly). This variant is not present in population databases (gnomAD no frequency). This variant has not been reported in the literature in individuals affected with POMK-related conditions. Algorithms developed to predict the effect of missense changes on protein structure and function output the following: SIFT: "Deleterious"; PolyPhen-2: "Benign"; Align-GVGD: "Class C15". The glycine amino acid residue is found in multiple mammalian species, which suggests that this missense change does not adversely affect protein function. In summary, the available evidence is currently insufficient to determine the role of this variant in disease. Therefore, it has been classified as a Variant of Uncertain Significance.

NM_032237.5(POMK):c.551A>G (p.Asp184Gly)

Gene: POMK (protein O-mannose kinase; plus strand). Cytogenetic location: 8p11.21.
Variant type: single nucleotide variant.
Coding change: c.551A>G on transcript NM_032237.5 (MANE Select); coding-DNA position 551, A replaced by G.
Protein change: p.Asp184Gly; replaces aspartic acid 184 with glycine.
Molecular consequence: missense variant.
Genome position (GRCh38, 1-based): chr8:43,122,375, A>G. VCF-style: chr8-43122375-A-G. GRCh37 (hg19) VCF-style: chr8-42977518-A-G.
Other names: c.551A>G, p.Asp184Gly (NM_001277971.2); short protein forms D184G.
Identifiers: ClinVar variation 2051909 (VCV002051909.4), dbSNP rs2486780379, ClinGen allele CA371122156.